The following is an entry in ClinVar:

NM_000126.4(ETFA):c.20C>T (p.Pro7Leu)

Gene: ETFA (electron transfer flavoprotein subunit alpha; minus strand). Cytogenetic location: 15q24.3.
Variant type: single nucleotide variant.
Coding change: c.20C>T on transcript NM_000126.4 (MANE Select); coding-DNA position 20, C replaced by T.
Protein change: p.Pro7Leu; replaces proline 7 with leucine.
Molecular consequence: missense variant.
Genome position (GRCh38, 1-based): chr15:76,311,369, G>A on the plus strand (C>T on the coding strand, the complement: ETFA is on the minus strand). VCF-style: chr15-76311369-G-A. GRCh37 (hg19) VCF-style: chr15-76603710-G-A.
Other names: p.Pro7Leu; c.20C>T, p.Pro7Leu (NM_001127716.2); short protein forms P7L.
Identifiers: ClinVar variation 203689 (VCV000203689.41), dbSNP rs557160401, ClinGen allele CA312481.

ClinVar aggregate classification (germline): Conflicting classifications of pathogenicity. Review status: criteria provided, conflicting classifications (1 of 4 stars). 7 submissions from 7 submitters: Uncertain significance (5); Likely benign (1). 1 of the submissions does not count toward it. Last evaluated 2025-03-05.

Conditions:
Multiple acyl-CoA dehydrogenase deficiency (MADD). Also called: GA II; Glutaric aciduria, type 2; ETHYLMALONIC-ADIPICACIDURIA; Glutaric acidemia type II; GA 2; Glutaric Acidemia type 2. Identifiers: Orphanet 26791, MedGen C0268596, MONDO:0009282, OMIM 231680.

Allele frequency attached by ClinVar (database versions not stated): 1000 Genomes Project 30x 0.00016; gnomAD exomes 0.00019 and 0.00043; 1000 Genomes Project 0.00020; TOPMed 0.00026; gnomAD 0.00027; ExAC 0.00059.
gnomAD v4.1: 642 of 1,562,322 alleles (0.041%); highest among the groups gnomAD compares: Non-Finnish European, 0.053%; no homozygotes.

Submissions (7):

Mayo Clinic Laboratories, Mayo Clinic
Classification: Likely benign. Last evaluated: 2025-03-05. Review status: criteria provided, single submitter. Criteria: ACMG Guidelines, 2015. Collection method: clinical testing. Allele origin: germline. Observed: 1 variant allele.
Comment: BP4_moderate, BP5

CeGaT Center for Human Genetics Tuebingen
Classification: Uncertain significance. Last evaluated: 2025-03-01. Review status: criteria provided, single submitter. Criteria: CeGaT Center For Human Genetics Tuebingen Variant Classification Criteria Version 2. Collection method: clinical testing. Allele origin: germline. Affected: yes. Observed: 2 variant alleles.
Comment: ETFA: PM2

Blueprint Genetics
Classification: Uncertain significance. Last evaluated: 2024-11-15. Review status: criteria provided, single submitter. Criteria: ACMG Guidelines, 2015. Collection method: clinical testing. Allele origin: germline.

Labcorp Genetics (formerly Invitae), Labcorp
Classification: Uncertain significance for Multiple acyl-CoA dehydrogenase deficiency. Last evaluated: 2022-09-24. Review status: criteria provided, single submitter. Criteria: Invitae Variant Classification Sherloc (09022015). Collection method: clinical testing. Allele origin: germline.
Comment: This sequence change replaces proline, which is neutral and non-polar, with leucine, which is neutral and non-polar, at codon 7 of the ETFA protein (p.Pro7Leu). This variant is present in population databases (rs557160401, gnomAD 0.04%). This variant has not been reported in the literature in individuals affected with ETFA-related conditions. ClinVar contains an entry for this variant (Variation ID: 203689). Algorithms developed to predict the effect of missense changes on protein structure and function (SIFT, PolyPhen-2, Align-GVGD) all suggest that this variant is likely to be tolerated. In summary, the available evidence is currently insufficient to determine the role of this variant in disease. Therefore, it has been classified as a Variant of Uncertain Significance.

Illumina Laboratory Services, Illumina
Classification: Uncertain significance for Multiple acyl-CoA dehydrogenase deficiency. Last evaluated: 2018-01-13. Review status: criteria provided, single submitter. Criteria: ICSL Variant Classification Criteria 13 December 2019. Collection method: clinical testing. Allele origin: germline.

Breakthrough Genomics
Classification: Uncertain significance. Review status: criteria provided, single submitter. Criteria: ACMG Guidelines, 2015. Collection method: not provided. Allele origin: germline. Inheritance: Autosomal recessive inheritance. Affected: yes.

Natera, Inc.
Classification: Uncertain significance for Glutaric aciduria type 2. Last evaluated: 2020-09-16. Review status: no assertion criteria provided. Collection method: clinical testing. Allele origin: germline. Not counted in ClinVar's aggregate classification.

Literature cited by the submitters: PubMed 29361167 (cited by Mayo Clinic Laboratories, Mayo Clinic).